The following is an entry in ClinVar:

ClinVar aggregate classification (germline): Uncertain significance (1 of 4 stars; one submission).

Conditions:
Blau syndrome (BLAUS). Also called: ARTHROCUTANEOUVEAL GRANULOMATOSIS; GRANULOMATOSIS, FAMILIAL JUVENILE SYSTEMIC; GRANULOMATOSIS, FAMILIAL, BLAU TYPE; GRANULOMATOUS INFLAMMATORY ARTHRITIS, DERMATITIS, AND UVEITIS, FAMILIAL; JABS SYNDROME. Identifiers: Orphanet 90340, MedGen C5201146, MONDO:0008523, OMIM 186580.
Regional enteritis. Also called: Enteritis, Granulomatous. Identifiers: MedGen C0678202, MeSH D003424.

Allele frequency attached by ClinVar (database versions not stated): TOPMed below 0.00001; ExAC 0.00001; gnomAD exomes 0.00001.

Submission:

Labcorp Genetics (formerly Invitae), Labcorp
Classification: Uncertain significance for Regional enteritis; Blau syndrome. Last evaluated: 2024-02-19. Review status: criteria provided, single submitter. Criteria: Invitae Variant Classification Sherloc (09022015). Collection method: clinical testing. Allele origin: germline.
Comment: This sequence change replaces aspartic acid, which is acidic and polar, with asparagine, which is neutral and polar, at codon 399 of the NOD2 protein (p.Asp399Asn). This variant is present in population databases (rs755554858, gnomAD 0.006%). This variant has not been reported in the literature in individuals affected with NOD2-related conditions. Advanced modeling of protein sequence and biophysical properties (such as structural, functional, and spatial information, amino acid conservation, physicochemical variation, residue mobility, and thermodynamic stability) performed at Invitae indicates that this missense variant is not expected to disrupt NOD2 protein function with a negative predictive value of 95%. In summary, the available evidence is currently insufficient to determine the role of this variant in disease. Therefore, it has been classified as a Variant of Uncertain Significance.

NM_001370466.1(NOD2):c.1114G>A (p.Asp372Asn)

Gene: NOD2 (nucleotide binding oligomerization domain containing 2; plus strand). Cytogenetic location: 16q12.1.
Variant type: single nucleotide variant.
Coding change: c.1114G>A on transcript NM_001370466.1 (MANE Select); coding-DNA position 1114, G replaced by A.
Protein change: p.Asp372Asn; replaces aspartic acid 372 with asparagine.
Molecular consequence: missense variant. On other transcripts: non-coding transcript variant (1).
Genome position (GRCh38, 1-based): chr16:50,711,106, G>A. VCF-style: chr16-50711106-G-A. GRCh37 (hg19) VCF-style: chr16-50745017-G-A.
Other names: c.1114G>A, p.Asp372Asn (NM_001293557.2); c.1195G>A, p.Asp399Asn (NM_022162.3); short protein forms D399N, D372N.
Identifiers: ClinVar variation 2939106 (VCV002939106.3), dbSNP rs755554858, ClinGen allele CA8051491.